The following is an entry in ClinVar:

NM_006231.4(POLE):c.2468+4G>A

Gene: POLE (DNA polymerase epsilon, catalytic subunit; minus strand). Cytogenetic location: 12q24.33.
Variant type: single nucleotide variant.
Coding change: c.2468+4G>A on transcript NM_006231.4 (MANE Select); 4 bases into the intron after coding-DNA position 2468, G replaced by A.
Molecular consequence: intron variant.
Genome position (GRCh38, 1-based): chr12:132,665,298, C>T on the plus strand (G>A on the coding strand, the complement: POLE is on the minus strand). VCF-style: chr12-132665298-C-T. GRCh37 (hg19) VCF-style: chr12-133241884-C-T.
Identifiers: ClinVar variation 484496 (VCV000484496.17), dbSNP rs1555226663, ClinGen allele CA658658197.

ClinVar aggregate classification (germline): Conflicting classifications of pathogenicity. Review status: criteria provided, conflicting classifications (1 of 4 stars). 3 submissions from 3 submitters: Uncertain significance (2); Likely benign (1). Last evaluated 2026-01-09.

Conditions:
Hereditary cancer-predisposing syndrome. Also called: Tumor predisposition; Hereditary Cancer Syndrome; Neoplastic Syndromes, Hereditary; Hereditary neoplastic syndrome. Identifiers: Orphanet 140162, MedGen C0027672, MeSH D009386, MONDO:0015356.

Allele frequency attached by ClinVar (database versions not stated): gnomAD exomes below 0.00001.
gnomAD v4.1: 2 of 1,612,978 alleles (0.00012%); highest among the groups gnomAD compares: Non-Finnish European, 0.00017%; no homozygotes.

Submissions (3):

Ambry Genetics
Classification: Uncertain significance for Hereditary cancer-predisposing syndrome. Last evaluated: 2026-01-09. Review status: criteria provided, single submitter. Criteria: Ambry Variant Classification Scheme 2023. Collection method: clinical testing. Allele origin: germline.
Comment: The c.2468+4G>A intronic variant results from a G to A substitution 4 nucleotides after coding exon 21 in the POLE gene. This nucleotide position is poorly conserved in available vertebrate species. In silico splice site analysis predicts that this alteration will not have any significant effect on splicing. Based on the available evidence, the clinical significance of this variant remains unclear.

Labcorp Genetics (formerly Invitae), Labcorp
Classification: Uncertain significance. Last evaluated: 2025-12-28. Review status: criteria provided, single submitter. Criteria: Invitae Variant Classification Sherloc (09022015). Collection method: clinical testing. Allele origin: germline.
Comment: This sequence change falls in intron 21 of the POLE gene. It does not directly change the encoded amino acid sequence of the POLE protein. It affects a nucleotide within the consensus splice site. This variant is not present in population databases (gnomAD no frequency). This variant has not been reported in the literature in individuals affected with POLE-related conditions. ClinVar contains an entry for this variant (Variation ID: 484496). Variants that disrupt the consensus splice site are a relatively common cause of aberrant splicing (PMID: 17576681, 9536098). Algorithms developed to predict the effect of sequence changes on RNA splicing suggest that this variant is not likely to affect RNA splicing. In summary, the available evidence is currently insufficient to determine the role of this variant in disease. Therefore, it has been classified as a Variant of Uncertain Significance.

Blueprint Genetics
Classification: Likely benign. Last evaluated: 2024-11-06. Review status: criteria provided, single submitter. Criteria: ACMG Guidelines, 2015. Collection method: clinical testing. Allele origin: germline.

Literature cited by the submitters: PubMed 17576681 (cited by Labcorp Genetics (formerly Invitae), Labcorp); PubMed 9536098 (cited by Labcorp Genetics (formerly Invitae), Labcorp).